The following is an entry in ClinVar:

NM_139057.4(ADAMTS17):c.1376T>C (p.Val459Ala)

Gene: ADAMTS17 (ADAM metallopeptidase with thrombospondin type 1 motif 17; minus strand). Cytogenetic location: 15q26.3.
Variant type: single nucleotide variant.
Coding change: c.1376T>C on transcript NM_139057.4 (MANE Select); coding-DNA position 1376, T replaced by C.
Protein change: p.Val459Ala; replaces valine 459 with alanine.
Molecular consequence: missense variant.
Genome position (GRCh38, 1-based): chr15:100,152,709, A>G on the plus strand (T>C on the coding strand, the complement: ADAMTS17 is on the minus strand). VCF-style: chr15-100152709-A-G. GRCh37 (hg19) VCF-style: chr15-100692914-A-G.
Other names: short protein forms V459A.
Identifiers: ClinVar variation 4779958 (VCV004779958.1).

ClinVar aggregate classification (germline): Uncertain significance (1 of 4 stars; one submission).

gnomAD v4.1: 29 of 1,614,078 alleles (0.0018%); highest among the groups gnomAD compares: Non-Finnish European, 0.0023%; no homozygotes.

Submission:

Labcorp Genetics (formerly Invitae), Labcorp
Classification: Uncertain significance. Last evaluated: 2025-10-21. Review status: criteria provided, single submitter. Criteria: Invitae Variant Classification Sherloc (09022015). Collection method: clinical testing. Allele origin: germline.
Comment: This sequence change replaces valine, which is neutral and non-polar, with alanine, which is neutral and non-polar, at codon 459 of the ADAMTS17 protein (p.Val459Ala). This variant is present in population databases (no rsID available, gnomAD 0.0009%). This variant has not been reported in the literature in individuals affected with ADAMTS17-related conditions. An algorithm developed to predict the effect of missense changes on protein structure and function (PolyPhen-2) suggests that this variant is likely to be tolerated. In summary, the available evidence is currently insufficient to determine the role of this variant in disease. Therefore, it has been classified as a Variant of Uncertain Significance.